The following is an entry in ClinVar:

ClinVar aggregate classification (germline): Uncertain significance (1 of 4 stars; one submission).

Conditions:
Immunodeficiency 23 (IMD23). Also called: IMMUNODEFICIENCY-VASCULITIS-MYOCLONUS SYNDROME; IMMUNODEFICIENCY WITH HYPER IgE AND COGNITIVE IMPAIRMENT. Identifiers: Orphanet 443811, MedGen C4014371, MONDO:0014353, OMIM 615816.

Submission:

Labcorp Genetics (formerly Invitae), Labcorp
Classification: Uncertain significance for Immunodeficiency 23. Last evaluated: 2022-03-24. Review status: criteria provided, single submitter. Criteria: Invitae Variant Classification Sherloc (09022015). Collection method: clinical testing. Allele origin: germline.
Comment: In summary, the available evidence is currently insufficient to determine the role of this variant in disease. Therefore, it has been classified as a Variant of Uncertain Significance. Algorithms developed to predict the effect of missense changes on protein structure and function (SIFT, PolyPhen-2, Align-GVGD) all suggest that this variant is likely to be disruptive. This variant has not been reported in the literature in individuals affected with PGM3-related conditions. This variant is not present in population databases (gnomAD no frequency). This sequence change replaces glycine, which is neutral and non-polar, with aspartic acid, which is acidic and polar, at codon 108 of the PGM3 protein (p.Gly108Asp).

NM_015599.3(PGM3):c.239G>A (p.Gly80Asp)

Gene: PGM3 (phosphoglucomutase 3; minus strand). Cytogenetic location: 6q14.1.
Variant type: single nucleotide variant.
Coding change: c.239G>A on transcript NM_015599.3 (MANE Select); coding-DNA position 239, G replaced by A.
Protein change: p.Gly80Asp; replaces glycine 80 with aspartic acid.
Molecular consequence: missense variant. On other transcripts: 5 prime UTR variant (1), non-coding transcript variant (1).
Genome position (GRCh38, 1-based): chr6:83,188,764, C>T on the plus strand (G>A on the coding strand, the complement: PGM3 is on the minus strand). VCF-style: chr6-83188764-C-T. GRCh37 (hg19) VCF-style: chr6-83898483-C-T.
Other names: c.323G>A, p.Gly108Asp (NM_001199917.2, NM_001367287.1); c.-5G>A (NM_001199918.2); c.239G>A, p.Gly80Asp (NM_001199919.2, NM_001367286.1); short protein forms G80D, G108D.
Identifiers: ClinVar variation 2115164 (VCV002115164.4), dbSNP rs2538211699, ClinGen allele CA364852319.